The following is an entry in ClinVar:

ClinVar aggregate classification (germline): Pathogenic (1 of 4 stars; one submission).

Conditions:
Autosomal recessive nonsyndromic hearing loss 102. Also called: Deafness, autosomal recessive 102. Identifiers: Orphanet 90636, MedGen C3892050, MONDO:0014428, OMIM 615974.

gnomAD v4.1: 3 of 1,549,364 alleles (0.00019%); highest among the groups gnomAD compares: Non-Finnish European, 0.00027%; no homozygotes.

Submission:

Institute of Rare Diseases, West China Hospital, Sichuan University
Classification: Pathogenic for Autosomal recessive nonsyndromic hearing loss 102. Last evaluated: 2025-01-09. Review status: criteria provided, single submitter. Criteria: ClinGen HL ACMG Specifications v1. Collection method: research. Allele origin: germline. Affected: yes.
Comment: PVS1;PM3_Supporting;PM2_Supporting

NM_004447.6(EPS8):c.811-1G>A

Gene: EPS8 (EGFR pathway substrate 8, signaling adaptor; minus strand). Cytogenetic location: 12p12.3.
Variant type: single nucleotide variant.
Coding change: c.811-1G>A on transcript NM_004447.6 (MANE Select); the canonical splice acceptor site of the intron before coding-DNA position 811, G replaced by A.
Molecular consequence: splice acceptor variant.
Genome position (GRCh38, 1-based): chr12:15,660,741, C>T on the plus strand (G>A on the coding strand, the complement: EPS8 is on the minus strand). VCF-style: chr12-15660741-C-T. GRCh37 (hg19) VCF-style: chr12-15813675-C-T.
Other names: c.571-1G>A (NM_001413836.1, NM_001413835.1); c.811-1G>A (NM_001413831.1, NM_001413832.1, NM_001413833.1 and 2 more transcripts); c.394-1G>A (NM_001413837.1); c.31-1G>A (NM_001413838.1).
Identifiers: ClinVar variation 3601077 (VCV003601077.1).